The following is an entry in ClinVar:

NM_001386298.1(CIC):c.5557C>A (p.Leu1853Met)

Gene: CIC (capicua transcriptional repressor; plus strand). Cytogenetic location: 19q13.2.
Variant type: single nucleotide variant.
Coding change: c.5557C>A on transcript NM_001386298.1 (MANE Select); coding-DNA position 5557, C replaced by A.
Protein change: p.Leu1853Met; replaces leucine 1853 with methionine.
Molecular consequence: missense variant.
Genome position (GRCh38, 1-based): chr19:42,291,689, C>A. VCF-style: chr19-42291689-C-A. GRCh37 (hg19) VCF-style: chr19-42795841-C-A.
Other names: c.5557C>A, p.Leu1853Met (NM_001304815.2, NM_001379480.1, NM_001379482.1 and 6 more transcripts); c.2830C>A, p.Leu944Met (NM_001379484.1, NM_001379485.1, NM_001439189.1 and 3 more transcripts); short protein forms L1853M, L944M.
Identifiers: ClinVar variation 5008892 (VCV005008892.1).
Genomic context (GRCh38, chr19:42,291,689, plus strand): 5'-GTGCCTCTGGCCGCCCCTAGCATGTCAGTGCGGGGTGGAGGGGCCGGCCAGCCACTGCCA[C>A]TGGTGAGCCCGCCCTTCTCAGTACCTGTGCAGAATGGTGCCCAGCCCCCCAGCAAGGTGA-3'
Protein context (NP_001373227.1, residues 1843-1863): RGGGAGQPLP[Leu1853Met]VSPPFSVPVQ

ClinVar aggregate classification (germline): Uncertain significance (1 of 4 stars; one submission).

Submission:

GeneDx
Classification: Uncertain significance. Last evaluated: 2026-03-10. Review status: criteria provided, single submitter. Criteria: GeneDx Variant Classification Process June 2021. Collection method: clinical testing. Allele origin: germline.
Comment: Not observed at significant frequency in large population cohorts (gnomAD); In silico analysis suggests that this missense variant does not alter protein structure/function; In silico analysis suggests this variant may impact gene splicing. In the absence of RNA/functional studies, the actual effect of this sequence change is unknown.; Has not been previously published as pathogenic or benign to our knowledge